The following is an entry in ClinVar:

NM_004082.5(DCTN1):c.1757C>G (p.Ser586Cys)

Gene: DCTN1 (dynactin subunit 1; minus strand). Cytogenetic location: 2p13.1.
Variant type: single nucleotide variant.
Coding change: c.1757C>G on transcript NM_004082.5 (MANE Select); coding-DNA position 1757, C replaced by G.
Protein change: p.Ser586Cys; replaces serine 586 with cysteine.
Molecular consequence: missense variant. On other transcripts: non-coding transcript variant (1).
Genome position (GRCh38, 1-based): chr2:74,368,825, G>C on the plus strand (C>G on the coding strand, the complement: DCTN1 is on the minus strand). VCF-style: chr2-74368825-G-C. GRCh37 (hg19) VCF-style: chr2-74595952-G-C.
Other names: c.1697C>G, p.Ser566Cys (NM_001135040.3); c.1355C>G, p.Ser452Cys (NM_001135041.3, NM_023019.4); c.1646C>G, p.Ser549Cys (NM_001190836.2); c.1736C>G, p.Ser579Cys (NM_001190837.2); c.1706C>G, p.Ser569Cys (NM_001378991.1); c.1688C>G, p.Ser563Cys (NM_001378992.1); short protein forms S452C, S549C, S563C, S566C, S569C, S579C, S586C.
Identifiers: ClinVar variation 3906562 (VCV003906562.1).

ClinVar aggregate classification (germline): Uncertain significance (1 of 4 stars; one submission).

gnomAD v4.1: 1 of 1,614,284 alleles (0.000062%); highest among the groups gnomAD compares: Admixed American, 0.0017%; no homozygotes.

Submission:

GeneDx
Classification: Uncertain significance. Last evaluated: 2024-12-18. Review status: criteria provided, single submitter. Criteria: GeneDx Variant Classification Process June 2021. Collection method: clinical testing. Allele origin: germline. Affected: yes.
Comment: Not observed at significant frequency in large population cohorts (gnomAD); In silico analysis supports that this missense variant has a deleterious effect on protein structure/function; Has not been previously published as pathogenic or benign to our knowledge